The following is an entry in ClinVar:

ClinVar aggregate classification (germline): Likely pathogenic. Review status: criteria provided, multiple submitters, no conflicts (2 of 4 stars). 2 submissions from 2 submitters: Likely pathogenic (2). Last evaluated 2025-02-06.

Conditions:
Bainbridge-Ropers syndrome. Also called: Severe feeding difficulties-failure to thrive-microcephaly due to ASXL3 deficiency syndrome. Identifiers: Orphanet 352577, MedGen C4750837, MONDO:0014205, OMIM 615485.

Submissions (2):

Laboratorio de Genetica e Diagnostico Molecular, Hospital Israelita Albert Einstein
Classification: Likely pathogenic for Bainbridge-Ropers syndrome. Last evaluated: 2025-02-06. Review status: criteria provided, single submitter. Criteria: ACMG Guidelines, 2015. Collection method: clinical testing. Allele origin: germline. Affected: yes.
Comment: ACMG classification criteria: PVS1 very strong, PM2 supporting

Medgenome Labs Ltd
Classification: Likely pathogenic for Bainbridge-Ropers syndrome. Last evaluated: 2025-01-30. Review status: criteria provided, single submitter. Criteria: ACMG Guidelines, 2015. Collection method: clinical testing. Allele origin: germline. Affected: yes.

NM_030632.3(ASXL3):c.187C>T (p.Arg63Ter)

Gene: ASXL3 (ASXL transcriptional regulator 3; plus strand). Cytogenetic location: 18q12.1.
Variant type: single nucleotide variant.
Coding change: c.187C>T on transcript NM_030632.3 (MANE Select); coding-DNA position 187, C replaced by T.
Protein change: p.Arg63Ter; replaces arginine 63 with a stop codon.
Molecular consequence: nonsense.
Genome position (GRCh38, 1-based): chr18:33,644,943, C>T. VCF-style: chr18-33644943-C-T. GRCh37 (hg19) VCF-style: chr18-31224907-C-T.
Other names: short protein forms R63*.
Identifiers: ClinVar variation 3778645 (VCV003778645.2).